The following is an entry in ClinVar:

ClinVar aggregate classification (germline): Uncertain significance (1 of 4 stars; one submission).

Conditions:
Spastic paraplegia. Identifiers: MedGen C0037772, HP:0001258.

Submission:

Labcorp Genetics (formerly Invitae), Labcorp
Classification: Uncertain significance for Spastic paraplegia. Last evaluated: 2022-07-11. Review status: criteria provided, single submitter. Criteria: Invitae Variant Classification Sherloc (09022015). Collection method: clinical testing. Allele origin: germline.
Comment: In summary, the available evidence is currently insufficient to determine the role of this variant in disease. Therefore, it has been classified as a Variant of Uncertain Significance. Advanced modeling of protein sequence and biophysical properties (such as structural, functional, and spatial information, amino acid conservation, physicochemical variation, residue mobility, and thermodynamic stability) performed at Invitae indicates that this missense variant is not expected to disrupt CYP2U1 protein function. This variant has not been reported in the literature in individuals affected with CYP2U1-related conditions. This variant is not present in population databases (gnomAD no frequency). This sequence change replaces leucine, which is neutral and non-polar, with proline, which is neutral and non-polar, at codon 25 of the CYP2U1 protein (p.Leu25Pro).

NM_183075.3(CYP2U1):c.74T>C (p.Leu25Pro)

Genes: CYP2U1 (cytochrome P450 family 2 subfamily U member 1; plus strand), CYP2U1-AS1 (CYP2U1 and SGMS2 antisense RNA 1; minus strand). Cytogenetic location: 4q25.
Variant type: single nucleotide variant.
Coding change: c.74T>C on transcript NM_183075.3 (MANE Select); coding-DNA position 74, T replaced by C.
Protein change: p.Leu25Pro; replaces leucine 25 with proline.
Molecular consequence: missense variant.
Genome position (GRCh38, 1-based): chr4:107,931,717, T>C. VCF-style: chr4-107931717-T-C. GRCh37 (hg19) VCF-style: chr4-108852873-T-C.
Other names: short protein forms L25P.
Identifiers: ClinVar variation 1934301 (VCV001934301.5), dbSNP rs2476953234, ClinGen allele CA357831661.